The following is an entry in ClinVar:

NM_014991.6(WDFY3):c.8884G>A (p.Gly2962Ser)

Gene: WDFY3 (WD repeat and FYVE domain containing 3; minus strand). Cytogenetic location: 4q21.23.
Variant type: single nucleotide variant.
Coding change: c.8884G>A on transcript NM_014991.6 (MANE Select); coding-DNA position 8884, G replaced by A.
Protein change: p.Gly2962Ser; replaces glycine 2962 with serine.
Molecular consequence: missense variant.
Genome position (GRCh38, 1-based): chr4:84,695,987, C>T on the plus strand (G>A on the coding strand, the complement: WDFY3 is on the minus strand). VCF-style: chr4-84695987-C-T. GRCh37 (hg19) VCF-style: chr4-85617140-C-T.
Other names: short protein forms G2962S.
Identifiers: ClinVar variation 3381376 (VCV003381376.2).
Genomic context (GRCh38, chr4:84,695,987, plus strand): 5'-AATGAAACAGAGTACATCAATGACAAGAAAAAAACATCCATACCTGTTTAGGGATCTGAC[C>T]GAAGTTATTAATGAACCCAATTGTGGCTGTCTCCTTTAGTGGGTCATTGATGTTGTAGAT-3'
Protein context (NP_055806.2, residues 2952-2972): TATIGFINNF[Gly2962Ser]QIPKQLFKKP

ClinVar aggregate classification (germline): Uncertain significance (1 of 4 stars; one submission).

Submission:

GeneDx
Classification: Uncertain significance. Last evaluated: 2025-05-09. Review status: criteria provided, single submitter. Criteria: GeneDx Variant Classification Process June 2021. Collection method: clinical testing. Allele origin: germline.
Comment: Not observed at significant frequency in large population cohorts (gnomAD); In silico analysis supports that this missense variant has a deleterious effect on protein structure/function; Has not been previously published as pathogenic or benign to our knowledge